The following is an entry in ClinVar:

NM_001377.3(DYNC2H1):c.1263C>A (p.Phe421Leu)

Gene: DYNC2H1 (dynein cytoplasmic 2 heavy chain 1; plus strand). Cytogenetic location: 11q22.3.
Variant type: single nucleotide variant.
Coding change: c.1263C>A on transcript NM_001377.3 (MANE Select); coding-DNA position 1263, C replaced by A.
Protein change: p.Phe421Leu; replaces phenylalanine 421 with leucine.
Molecular consequence: missense variant.
Genome position (GRCh38, 1-based): chr11:103,120,939, C>A. VCF-style: chr11-103120939-C-A. GRCh37 (hg19) VCF-style: chr11-102991668-C-A.
Other names: c.1263C>A, p.Phe421Leu (NM_001080463.2); short protein forms F421L.
Identifiers: ClinVar variation 302011 (VCV000302011.65), dbSNP rs142881106, ClinGen allele CA6252728.
Genomic context (GRCh38, chr11:103,120,939, plus strand): 5'-AGTTGATCCGTTGGGATGAACATGTACTTATTTTATTTTATATTAGCTTCTTCAAGCATT[C>A]CTGAAATATAAAGAGTTGGTAAAGCGTCCAACTATAAGCAAAGAATTGATGTTAGAAAGA-3'
Protein context (NP_001368.2, residues 411-431): QDSPQQLLQA[Phe421Leu]LKYKELVKRP

ClinVar aggregate classification (germline): Benign/Likely benign. Review status: criteria provided, multiple submitters, no conflicts (2 of 4 stars). 7 submissions from 7 submitters: Benign (2); Likely benign (4). 1 of the submissions does not count toward it. Last evaluated 2026-02-04.

Conditions:
DYNC2H1-related disorder. Also called: DYNC2H1-related disorders; DYNC2H1-related condition. Identifiers: MedGen CN378770.
Asphyxiating thoracic dystrophy 3. Also called: SHORT-RIB THORACIC DYSPLASIA 3 WITH OR WITHOUT POLYDACTYLY; POLYDACTYLY WITH NEONATAL CHONDRODYSTROPHY, TYPE I; SHORT-RIB THORACIC DYSPLASIA 3/6 WITH POLYDACTYLY, DIGENIC; Short rib polydactyly syndrome 2B; Saldino-Noonan Syndrome. Identifiers: Orphanet 474, Orphanet 93269, Orphanet 93270, Orphanet 93271, MedGen C0036069, MONDO:0013127, OMIM 613091.
Jeune thoracic dystrophy. Also called: Short-rib thoracic dysplasia; Infantile thoracic dystrophy; Thoracic pelvic phalangeal dystrophy; Jeune's syndrome; Chondroectodermal dysplasia-like syndrome; Jeune syndrome. Identifiers: Orphanet 474, MedGen C0265275, MONDO:0018770.

Allele frequency attached by ClinVar (database versions not stated): 1000 Genomes Project 30x 0.00156; 1000 Genomes Project 0.00160; gnomAD exomes 0.00326 and 0.00556; TOPMed 0.00335; gnomAD 0.00348 and 0.00365; ESP Exome Variant Server 0.00427; ExAC 0.00718.
gnomAD v4.1: 8,068 of 1,521,340 alleles (0.53%); highest among the groups gnomAD compares: Non-Finnish European, 0.66%; 31 homozygotes.

Submissions (7):

Labcorp Genetics (formerly Invitae), Labcorp
Classification: Benign for Jeune thoracic dystrophy. Last evaluated: 2026-02-04. Review status: criteria provided, single submitter. Criteria: Invitae Variant Classification Sherloc (09022015). Collection method: clinical testing. Allele origin: germline.

CeGaT Center for Human Genetics Tuebingen
Classification: Likely benign. Last evaluated: 2026-01-01. Review status: criteria provided, single submitter. Criteria: CeGaT Center For Human Genetics Tuebingen Variant Classification Criteria Version 2. Collection method: clinical testing. Allele origin: germline. Affected: yes. Observed: 4 variant alleles.
Comment: DYNC2H1: BS2

ARUP Laboratories, Molecular Genetics and Genomics, ARUP Laboratories
Classification: Benign for Asphyxiating thoracic dystrophy 3. Last evaluated: 2024-12-27. Review status: criteria provided, single submitter. Criteria: ARUP Molecular Germline Variant Investigation Process 2024. Collection method: clinical testing. Allele origin: germline.

Blueprint Genetics
Classification: Likely benign. Last evaluated: 2024-11-27. Review status: criteria provided, single submitter. Criteria: ACMG Guidelines, 2015. Collection method: clinical testing. Allele origin: germline.

Genetic Services Laboratory, University of Chicago
Classification: Likely benign. Last evaluated: 2021-12-03. Review status: criteria provided, single submitter. Criteria: ACMG Guidelines, 2015. Collection method: clinical testing. Allele origin: germline. Affected: no.

GeneDx
Classification: Likely benign. Last evaluated: 2021-03-04. Review status: criteria provided, single submitter. Criteria: GeneDx Variant Classification Process June 2021. Collection method: clinical testing. Allele origin: germline. Affected: yes.

PreventionGenetics, part of Exact Sciences
Classification: Likely benign for DYNC2H1-related condition. Last evaluated: 2020-03-24. Review status: no assertion criteria provided. Collection method: clinical testing. Allele origin: germline. Not counted in ClinVar's aggregate classification.
Comment: This variant is classified as likely benign based on ACMG/AMP sequence variant interpretation guidelines (Richards et al. 2015 PMID: 25741868, with internal and published modifications).